The following is an entry in ClinVar:

ClinVar aggregate classification (germline): Uncertain significance (1 of 4 stars; one submission).

Submission:

Labcorp Genetics (formerly Invitae), Labcorp
Classification: Uncertain significance. Last evaluated: 2021-11-25. Review status: criteria provided, single submitter. Criteria: Invitae Variant Classification Sherloc (09022015). Collection method: clinical testing. Allele origin: germline.
Comment: This sequence change replaces leucine, which is neutral and non-polar, with phenylalanine, which is neutral and non-polar, at codon 431 of the MYO6 protein (p.Leu431Phe). This variant is not present in population databases (gnomAD no frequency). This variant has not been reported in the literature in individuals affected with MYO6-related conditions. Algorithms developed to predict the effect of missense changes on protein structure and function are either unavailable or do not agree on the potential impact of this missense change (SIFT: "Deleterious"; PolyPhen-2: "Not Available"; Align-GVGD: "Class C15"). In summary, the available evidence is currently insufficient to determine the role of this variant in disease. Therefore, it has been classified as a Variant of Uncertain Significance.

NM_004999.4(MYO6):c.1291C>T (p.Leu431Phe)

Gene: MYO6 (myosin VI; plus strand). Cytogenetic location: 6q14.1.
Variant type: single nucleotide variant.
Coding change: c.1291C>T on transcript NM_004999.4 (MANE Select); coding-DNA position 1291, C replaced by T.
Protein change: p.Leu431Phe; replaces leucine 431 with phenylalanine.
Molecular consequence: missense variant. On other transcripts: non-coding transcript variant (1).
Genome position (GRCh38, 1-based): chr6:75,857,164, C>T. VCF-style: chr6-75857164-C-T. GRCh37 (hg19) VCF-style: chr6-76566881-C-T.
Other names: c.1291C>T, p.Leu431Phe (NM_001300899.2, NM_001368136.1, NM_001368137.1 and 2 more transcripts); c.1276C>T, p.Leu426Phe (NM_001368138.1); short protein forms L431F, L426F.
Identifiers: ClinVar variation 1994385 (VCV001994385.4), dbSNP rs1322172288, ClinGen allele CA364759671.